The following is an entry in ClinVar:

ClinVar aggregate classification (germline): Uncertain significance (1 of 4 stars; one submission).

Submission:

Ambry Genetics
Classification: Uncertain significance. Last evaluated: 2022-04-21. Review status: criteria provided, single submitter. Criteria: Ambry Variant Classification Scheme 2023. Collection method: clinical testing. Allele origin: germline.
Comment: The p.S174T variant (also known as c.521G>C), located in coding exon 6 of the NEBL gene, results from a G to C substitution at nucleotide position 521. The serine at codon 174 is replaced by threonine, an amino acid with similar properties. This amino acid position is conserved. In addition, this alteration is predicted to be tolerated by in silico analysis. Since supporting evidence is limited at this time, the clinical significance of this alteration remains unclear.

NM_006393.3(NEBL):c.521G>C (p.Ser174Thr)

Gene: NEBL (nebulette; minus strand). Cytogenetic location: 10p12.31.
Variant type: single nucleotide variant.
Coding change: c.521G>C on transcript NM_006393.3 (MANE Select); coding-DNA position 521, G replaced by C.
Protein change: p.Ser174Thr; replaces serine 174 with threonine.
Molecular consequence: missense variant. On other transcripts: intron variant (9).
Genome position (GRCh38, 1-based): chr10:20,869,801, C>G on the plus strand (G>C on the coding strand, the complement: NEBL is on the minus strand). VCF-style: chr10-20869801-C-G. GRCh37 (hg19) VCF-style: chr10-21158730-C-G.
Other names: c.250-56861G>C (NM_001377326.1, NM_001377327.1, NM_001377328.1); c.358-56861G>C (NM_213569.2, NM_001173484.2, NM_001377322.1); c.301-56861G>C (NM_001377324.1); c.292-56861G>C (NM_001377325.1); c.310-56861G>C (NM_001377323.1); short protein forms S174T.
Identifiers: ClinVar variation 1746157 (VCV001746157.2), dbSNP rs2492265412, ClinGen allele CA376103612.